The following is an entry in ClinVar:

ClinVar aggregate classification (germline): Uncertain significance (1 of 4 stars; one submission).

Conditions:
Cardiovascular phenotype. Identifiers: MedGen CN230736.

Submission:

Ambry Genetics
Classification: Uncertain significance for Cardiovascular phenotype. Last evaluated: 2026-01-10. Review status: criteria provided, single submitter. Criteria: Ambry Variant Classification Scheme 2023. Collection method: clinical testing. Allele origin: germline.
Comment: The p.R1436P variant (also known as c.4307G>C), located in coding exon 51 of the COL1A1 gene, results from a G to C substitution at nucleotide position 4307. The arginine at codon 1436 is replaced by proline, an amino acid with dissimilar properties. This amino acid position is conserved. In addition, this alteration is predicted to be deleterious by in silico analysis. Based on the available evidence, the clinical significance of this variant remains unclear.

NM_000088.4(COL1A1):c.4307G>C (p.Arg1436Pro)

Gene: COL1A1 (collagen type I alpha 1 chain; minus strand). Cytogenetic location: 17q21.33.
Variant type: single nucleotide variant.
Coding change: c.4307G>C on transcript NM_000088.4 (MANE Select); coding-DNA position 4307, G replaced by C.
Protein change: p.Arg1436Pro; replaces arginine 1436 with proline.
Molecular consequence: missense variant.
Genome position (GRCh38, 1-based): chr17:50,185,590, C>G on the plus strand (G>C on the coding strand, the complement: COL1A1 is on the minus strand). VCF-style: chr17-50185590-C-G. GRCh37 (hg19) VCF-style: chr17-48262951-C-G.
Other names: short protein forms R1436P.
Identifiers: ClinVar variation 4843471 (VCV004843471.1).
Genomic context (GRCh38, chr17:50,185,590, plus strand): 5'-AAGCCGAATTCCTGGTCTGGGGCACCAACGTCCAAGGGGGCCACATCGATGATGGGCAGG[C>G]GGGAGGTCTTGGTGGTTTTGTATTCAATCACTGTCTTGCCCCAGGCTCCGGTGTGACTCT-3'
Protein context (NP_000079.2, residues 1426-1446): VIEYKTTKTS[Arg1436Pro]LPIIDVAPLD